The following is an entry in ClinVar:

NM_007289.4(MME):c.1996A>G (p.Ile666Val)

Gene: MME (membrane metalloendopeptidase; plus strand). Cytogenetic location: 3q25.2.
Variant type: single nucleotide variant.
Coding change: c.1996A>G on transcript NM_007289.4 (MANE Select); coding-DNA position 1996, A replaced by G.
Protein change: p.Ile666Val; replaces isoleucine 666 with valine.
Molecular consequence: missense variant.
Genome position (GRCh38, 1-based): chr3:155,172,132, A>G. VCF-style: chr3-155172132-A-G. GRCh37 (hg19) VCF-style: chr3-154889921-A-G.
Other names: c.1996A>G, p.Ile666Val (NM_000902.5, NM_001354642.2, NM_001354643.1 and 2 more transcripts); short protein forms I666V.
Identifiers: ClinVar variation 3396930 (VCV003396930.2).

ClinVar aggregate classification (germline): Conflicting classifications of pathogenicity. Review status: criteria provided, conflicting classifications (1 of 4 stars). 2 submissions from 2 submitters: Uncertain significance (1); Likely benign (1). Last evaluated 2025-08-03.

Conditions:
Inborn genetic diseases. Identifiers: MedGen C0950123, MeSH D030342.

gnomAD v4.1: 56 of 1,601,626 alleles (0.0035%); highest among the groups gnomAD compares: South Asian, 0.061%; no homozygotes.

Submissions (2):

Labcorp Genetics (formerly Invitae), Labcorp
Classification: Uncertain significance. Last evaluated: 2025-08-03. Review status: criteria provided, single submitter. Criteria: Invitae Variant Classification Sherloc (09022015). Collection method: clinical testing. Allele origin: germline.
Comment: This sequence change replaces isoleucine, which is neutral and non-polar, with valine, which is neutral and non-polar, at codon 666 of the MME protein (p.Ile666Val). This variant is present in population databases (rs777038356, gnomAD 0.09%). This variant has not been reported in the literature in individuals affected with MME-related conditions. ClinVar contains an entry for this variant (Variation ID: 3396930). Invitae Evidence Modeling of protein sequence and biophysical properties (such as structural, functional, and spatial information, amino acid conservation, physicochemical variation, residue mobility, and thermodynamic stability) indicates that this missense variant is not expected to disrupt MME protein function with a negative predictive value of 80%. In summary, the available evidence is currently insufficient to determine the role of this variant in disease. Therefore, it has been classified as a Variant of Uncertain Significance.

Ambry Genetics
Classification: Likely benign for Inborn genetic diseases. Last evaluated: 2024-08-04. Review status: criteria provided, single submitter. Criteria: Ambry Variant Classification Scheme 2023. Collection method: clinical testing. Allele origin: germline.